The following is an entry in ClinVar:

ClinVar aggregate classification (germline): Conflicting classifications of pathogenicity. Review status: criteria provided, conflicting classifications (1 of 4 stars). 3 submissions from 3 submitters: Uncertain significance (2); Likely benign (1). Last evaluated 2025-07-30.

Conditions:
Epidermolysis bullosa, junctional 7, with interstitial lung disease and nephrotic syndrome. Also called: Interstitial Lung Disease with Nephrotic Syndrome and Epidermolysis Bullosa; Interstitial lung disease, nephrotic syndrome, and epidermolysis bullosa, congenital. Identifiers: Orphanet 306504, MedGen C4518785, MONDO:0013881, OMIM 614748.
Inborn genetic diseases. Identifiers: MedGen C0950123, MeSH D030342.

gnomAD v4.1: 24 of 1,611,122 alleles (0.0015%); highest among the groups gnomAD compares: Non-Finnish European, 0.002%; no homozygotes.

Submissions (3):

Labcorp Genetics (formerly Invitae), Labcorp
Classification: Uncertain significance. Last evaluated: 2025-07-30. Review status: criteria provided, single submitter. Criteria: Invitae Variant Classification Sherloc (09022015). Collection method: clinical testing. Allele origin: germline.
Comment: This sequence change replaces arginine, which is basic and polar, with histidine, which is basic and polar, at codon 908 of the ITGA3 protein (p.Arg908His). The frequency data for this variant in the population databases is considered unreliable, as metrics indicate poor data quality at this position in the gnomAD database. This variant has not been reported in the literature in individuals affected with ITGA3-related conditions. ClinVar contains an entry for this variant (Variation ID: 3286713). Invitae Evidence Modeling of protein sequence and biophysical properties (such as structural, functional, and spatial information, amino acid conservation, physicochemical variation, residue mobility, and thermodynamic stability) indicates that this missense variant is not expected to disrupt ITGA3 protein function with a negative predictive value of 80%. In summary, the available evidence is currently insufficient to determine the role of this variant in disease. Therefore, it has been classified as a Variant of Uncertain Significance.

Ambry Genetics
Classification: Likely benign for Inborn genetic diseases. Last evaluated: 2024-05-26. Review status: criteria provided, single submitter. Criteria: Ambry Variant Classification Scheme 2023. Collection method: clinical testing. Allele origin: germline.

Fulgent Genetics
Classification: Uncertain significance for Epidermolysis bullosa, junctional 7, with interstitial lung disease and nephrotic syndrome. Last evaluated: 2024-01-12. Review status: criteria provided, single submitter. Criteria: ACMG Guidelines, 2015. Collection method: clinical testing. Allele origin: germline.

NM_002204.4(ITGA3):c.2723G>A (p.Arg908His)

Gene: ITGA3 (integrin subunit alpha 3; plus strand). Cytogenetic location: 17q21.33.
Variant type: single nucleotide variant.
Coding change: c.2723G>A on transcript NM_002204.4 (MANE Select); coding-DNA position 2723, G replaced by A.
Protein change: p.Arg908His; replaces arginine 908 with histidine.
Molecular consequence: missense variant.
Genome position (GRCh38, 1-based): chr17:50,080,278, G>A. VCF-style: chr17-50080278-G-A. GRCh37 (hg19) VCF-style: chr17-48157642-G-A.
Other names: NM_005501.2:c.2723G>A; short protein forms R908H.
Identifiers: ClinVar variation 3286713 (VCV003286713.3).